The following is an entry in ClinVar:

ClinVar aggregate classification (germline): Uncertain significance (1 of 4 stars; one submission).

Conditions:
Loeys-Dietz syndrome 4 (LDS4). Also called: ANEURYSM, AORTIC AND CEREBRAL, WITH ARTERIAL TORTUOSITY AND SKELETAL MANIFESTATIONS; TGFB2-Related Loeys-Dietz Syndrome. Identifiers: MedGen C3553762, MONDO:0013897, OMIM 614816.

Submission:

Labcorp Genetics (formerly Invitae), Labcorp
Classification: Uncertain significance for Loeys-Dietz syndrome 4. Last evaluated: 2021-12-02. Review status: criteria provided, single submitter. Criteria: Invitae Variant Classification Sherloc (09022015). Collection method: clinical testing. Allele origin: germline.
Comment: In summary, the available evidence is currently insufficient to determine the role of this variant in disease. Therefore, it has been classified as a Variant of Uncertain Significance. This variant has not been reported in the literature in individuals affected with TGFB2-related conditions. This sequence change is a complex rearrangement that results in a copy number gain of the genomic region encompassing exons 3-4 of the TGFB2 gene, but the exact nature of this event is unknown. This variant is expected to disrupt TGFB2 protein function.

NC_000001.10:g.(?_218607404)_(218607810_?)dup

Gene: TGFB2 (transforming growth factor beta 2; plus strand). Cytogenetic location: 1q41.
Variant type: Duplication.
Identifiers: ClinVar variation 2424659 (VCV002424659.4).